The following is an entry in ClinVar:

ClinVar aggregate classification (germline): Uncertain significance (1 of 4 stars; one submission).

Conditions:
Cardiovascular phenotype. Identifiers: MedGen CN230736.

Submission:

Ambry Genetics
Classification: Uncertain significance for Cardiovascular phenotype. Last evaluated: 2020-10-30. Review status: criteria provided, single submitter. Criteria: Ambry Variant Classification Scheme 2023. Collection method: clinical testing. Allele origin: germline.
Comment: The p.A218V variant (also known as c.653C>T), located in coding exon 4 of the BGN gene, results from a C to T substitution at nucleotide position 653. The alanine at codon 218 is replaced by valine, an amino acid with similar properties. This amino acid position is well conserved in available vertebrate species. In addition, the in silico prediction for this alteration is inconclusive. Since supporting evidence is limited at this time, the clinical significance of this alteration remains unclear.

NM_001711.6(BGN):c.653C>T (p.Ala218Val)

Gene: BGN (biglycan; plus strand). Cytogenetic location: Xq28.
Variant type: single nucleotide variant.
Coding change: c.653C>T on transcript NM_001711.6 (MANE Select); coding-DNA position 653, C replaced by T.
Protein change: p.Ala218Val; replaces alanine 218 with valine.
Molecular consequence: missense variant.
Genome position (GRCh38, 1-based): chrX:153,506,616, C>T. VCF-style: chrX-153506616-C-T. GRCh37 (hg19) VCF-style: chrX-152772074-C-T.
Other names: short protein forms A218V.
Identifiers: ClinVar variation 1754102 (VCV001754102.2), dbSNP rs2521217791, ClinGen allele CA415070780.